The following is an entry in ClinVar:

NM_005157.6(ABL1):c.2220G>T (p.Leu740Phe)

Gene: ABL1 (ABL proto-oncogene 1, non-receptor tyrosine kinase; plus strand). Cytogenetic location: 9q34.12.
Variant type: single nucleotide variant.
Coding change: c.2220G>T on transcript NM_005157.6 (MANE Select); coding-DNA position 2220, G replaced by T.
Protein change: p.Leu740Phe; replaces leucine 740 with phenylalanine.
Molecular consequence: missense variant.
Genome position (GRCh38, 1-based): chr9:130,884,510, G>T. VCF-style: chr9-130884510-G-T. GRCh37 (hg19) VCF-style: chr9-133759897-G-T.
Other names: c.2277G>T, p.Leu759Phe (NM_007313.3); short protein forms L740F, L759F.
Identifiers: ClinVar variation 2632509 (VCV002632509.1), dbSNP rs2133036317, ClinGen allele CA375255585.
Genomic context (GRCh38, chr9:130,884,510, plus strand): 5'-CTGCGTTCCCCATGGGGCCAAGGACACGGAGTGGAGGTCAGTCACGCTGCCTCGGGACTT[G>T]CAGTCCACGGGAAGACAGTTTGACTCGTCCACATTTGGAGGGCACAAAAGTGAGAAGCCG-3'
Protein context (NP_005148.2, residues 730-750): EWRSVTLPRD[Leu740Phe]QSTGRQFDSS

ClinVar aggregate classification (germline): Uncertain significance (1 of 4 stars; one submission).

Conditions:
ABL1-related disorder. Also called: ABL1-related condition.

Submission:

PreventionGenetics, part of Exact Sciences
Classification: Uncertain significance for ABL1-related condition. Last evaluated: 2023-06-19. Review status: criteria provided, single submitter. Criteria: ACMG Guidelines, 2015. Collection method: clinical testing. Allele origin: germline.
Comment: The ABL1 c.2277G>T variant is predicted to result in the amino acid substitution p.Leu759Phe. To our knowledge, this variant has not been reported in the literature or in a large population database, indicating this variant is rare. At this time, the clinical significance of this variant is uncertain due to the absence of conclusive functional and genetic evidence.